The following is an entry in ClinVar:

ClinVar aggregate classification (germline): Uncertain significance. Review status: criteria provided, multiple submitters, no conflicts (2 of 4 stars). 2 submissions from 2 submitters: Uncertain significance (2). Last evaluated 2025-08-03.

Conditions:
Inborn genetic diseases. Identifiers: MedGen C0950123, MeSH D030342.
Muscle AMP deaminase deficiency (MMDD). Also called: AMPD1 DEFICIENCY; Myoadenylate deaminase deficiency, myopathy due to; Adenosine monophosphate deaminase 1 deficiency; AMP deaminase 1 deficiency; Adenosine Monophosphate Deaminase 1; ADENOSINE MONOPHOSPHATE DEAMINASE-1 DEFICIENCY, MYOPATHY DUE TO. Identifiers: Orphanet 45, MedGen C3714933, MONDO:0014220, OMIM 615511.

Allele frequency attached by ClinVar (database versions not stated): gnomAD 0.00001; gnomAD exomes 0.00001; TOPMed 0.00001; ExAC 0.00002.
gnomAD v4.1: 20 of 1,613,534 alleles (0.0012%); highest among the groups gnomAD compares: South Asian, 0.0044%; no homozygotes.

Submissions (2):

Ambry Genetics
Classification: Uncertain significance for Inborn genetic diseases. Last evaluated: 2025-08-03. Review status: criteria provided, single submitter. Criteria: Ambry Variant Classification Scheme 2023. Collection method: clinical testing. Allele origin: germline.

Labcorp Genetics (formerly Invitae), Labcorp
Classification: Uncertain significance for Muscle AMP deaminase deficiency. Last evaluated: 2025-06-12. Review status: criteria provided, single submitter. Criteria: Invitae Variant Classification Sherloc (09022015). Collection method: clinical testing. Allele origin: germline.
Comment: This sequence change replaces threonine, which is neutral and polar, with isoleucine, which is neutral and non-polar, at codon 335 of the AMPD1 protein (p.Thr335Ile). This variant is present in population databases (rs759481062, gnomAD 0.006%). This variant has not been reported in the literature in individuals affected with AMPD1-related conditions. ClinVar contains an entry for this variant (Variation ID: 1984146). Invitae Evidence Modeling of protein sequence and biophysical properties (such as structural, functional, and spatial information, amino acid conservation, physicochemical variation, residue mobility, and thermodynamic stability) indicates that this missense variant is expected to disrupt AMPD1 protein function with a positive predictive value of 80%. In summary, the available evidence is currently insufficient to determine the role of this variant in disease. Therefore, it has been classified as a Variant of Uncertain Significance.

NM_000036.3(AMPD1):c.905C>T (p.Thr302Ile)

Gene: AMPD1 (adenosine monophosphate deaminase 1; minus strand). Cytogenetic location: 1p13.2.
Variant type: single nucleotide variant.
Coding change: c.905C>T on transcript NM_000036.3 (MANE Select); coding-DNA position 905, C replaced by T.
Protein change: p.Thr302Ile; replaces threonine 302 with isoleucine.
Molecular consequence: missense variant.
Genome position (GRCh38, 1-based): chr1:114,678,520, G>A on the plus strand (C>T on the coding strand, the complement: AMPD1 is on the minus strand). VCF-style: chr1-114678520-G-A. GRCh37 (hg19) VCF-style: chr1-115221141-G-A.
Other names: c.893C>T, p.Thr298Ile (NM_001172626.2); c.1004C>T (NM_000036.2); short protein forms T302I, T298I.
Identifiers: ClinVar variation 1984146 (VCV001984146.5), dbSNP rs759481062, ClinGen allele CA1020262.
Genomic context (GRCh38, chr1:114,678,520, plus strand): 5'-GATTTCTTAATAAAACGCAGCAGATGTTTCTGGTTCATGCAAGCGGCTGCATGGATATGG[G>A]TGTCCACCTGTATGTATATTCAAAGAAAGAAAAAAACATCAATCAGCCTTAGTTATGCTA-3'
Protein context (NP_000027.3, residues 292-312): RDFYNCRKVD[Thr302Ile]HIHAAACMNQ